The following is an entry in ClinVar:

NM_000466.3(PEX1):c.1099del (p.Gln367fs)

Gene: PEX1 (peroxisomal biogenesis factor 1; minus strand). Cytogenetic location: 7q21.2.
Variant type: Deletion.
Coding change: c.1099del on transcript NM_000466.3 (MANE Select); coding-DNA position 1099, one base deleted (C; older notation c.1099delC).
Protein change: p.Gln367fs; shifts the reading frame from glutamine 367.
Molecular consequence: frameshift variant.
Genome position (GRCh38, 1-based): chr7:92,517,416, G deleted on the plus strand (C on the coding strand, the reverse complement: PEX1 is on the minus strand). VCF-style (leftmost placement, unchanged base first): chr7-92517415-TG-T. GRCh37 (hg19) VCF-style: chr7-92146729-TG-T.
Other names: NM_000466.3(PEX1):c.1099del; p.Gln367fs; c.1099del, p.Gln367fs (NM_001282677.2); c.475del, p.Gln159fs (NM_001282678.2); short protein forms Q159fs, Q367fs.
Identifiers: ClinVar variation 1324877 (VCV001324877.10), dbSNP rs1403870448, ClinGen allele CA843856885.

ClinVar aggregate classification (germline): Pathogenic/Likely pathogenic. Review status: criteria provided, multiple submitters, no conflicts (2 of 4 stars). 5 submissions from 5 submitters: Pathogenic (3); Likely pathogenic (2). Last evaluated 2026-01-30.

Conditions:
Peroxisome biogenesis disorder due to PEX1 defect. Identifiers: MedGen CN305475, MONDO:0100259.
Zellweger spectrum disorders (ZS). Also called: Zellweger Spectrum Disorder; Zellweger Spectrum; Zellweger Spectrum Disorder (ZSD); Zellweger syndrome. Identifiers: Orphanet 912, MedGen C0043459, MONDO:0019609.
Heimler syndrome 1 (HMLR1). Also called: PEROXISOME BIOGENESIS DISORDER 1C. Identifiers: Orphanet 3220, MedGen C4551980, OMIM 234580, MONDO:0024544.
Peroxisome biogenesis disorder 1A (Zellweger) (PBD1A). Also called: Peroxisome biogenesis disorder 1a; Zellweger leukodystrophy. Identifiers: MedGen C4721541, MONDO:0008953, OMIM 214100.

Allele frequency attached by ClinVar (database versions not stated): TOPMed below 0.00001; gnomAD 0.00001.

Submissions (5):

Institute of Human Genetics, University of Leipzig Medical Center
Classification: Pathogenic for Peroxisome biogenesis disorder 1A (Zellweger). Last evaluated: 2026-01-30. Review status: criteria provided, single submitter. Criteria: ACMG Guidelines, 2015. Collection method: clinical testing. Allele origin: inherited. Inheritance: Autosomal recessive inheritance. Affected: yes.
Comment: Criteria applied: PVS1,PM2,PM3_STR

Labcorp Genetics (formerly Invitae), Labcorp
Classification: Pathogenic for Zellweger spectrum disorders. Last evaluated: 2026-01-21. Review status: criteria provided, single submitter. Criteria: Invitae Variant Classification Sherloc (09022015). Collection method: clinical testing. Allele origin: germline.
Comment: This sequence change creates a premature translational stop signal (p.Gln367Lysfs*20) in the PEX1 gene. It is expected to result in an absent or disrupted protein product. Loss-of-function variants in PEX1 are known to be pathogenic (PMID: 21031596, 26387595, 31831025). This variant is not present in population databases (gnomAD no frequency). This variant has not been reported in the literature in individuals affected with PEX1-related conditions. ClinVar contains an entry for this variant (Variation ID: 1324877). For these reasons, this variant has been classified as Pathogenic.

Baylor Genetics
Classification: Likely pathogenic for Heimler syndrome 1. Last evaluated: 2023-09-04. Review status: criteria provided, single submitter. Criteria: ACMG Guidelines, 2015. Collection method: clinical testing. Allele origin: unknown.

Broad Center for Mendelian Genomics, Broad Institute of MIT and Harvard
Classification: Pathogenic for Peroxisome biogenesis disorder due to PEX1 defect. Last evaluated: 2023-05-02. Review status: criteria provided, single submitter. Criteria: ACMG Guidelines, 2015. Collection method: curation. Allele origin: germline.
Comment: The p.Gln367LysfsTer20 variant in PEX1 has been previously reported in one individual with peroxisome biogenesis disorder 1B (PMID: 29453832) but has been identified in 0.0015% (1/68022) of European (non-Finnish) chromosomes by the Genome Aggregation Database (gnomAD; dbSNP ID: rs1403870448). Although this variant has been seen in the general population in a heterozygous state, its frequency is low enough to be consistent with a recessive carrier frequency. This variant has also been reported in ClinVar (Variation ID: 1324877) and has been interpreted as likely pathogenic by PerkinElmer Genomics. This variant is predicted to cause a frameshift, which alters the protein‚Äôs amino acid sequence beginning at position 361 and leads to a premature termination codon 20 amino acids downstream. This alteration is then predicted to lead to a truncated or absent protein. Loss of function of the PEX1 gene is an established disease mechanism in autosomal recessive peroxisome biogenesis disorder 1B. In summary, this variant meets criteria to be classified as pathogenic for autosomal recessive peroxisome biogenesis disorder 1B. ACMG/AMP Criteria applied: PVS1, PM3, PM2_Supporting (Richards 2015).

Revvity Omics, Revvity
Classification: Likely pathogenic. Last evaluated: 2021-06-19. Review status: criteria provided, single submitter. Criteria: ACMG Guidelines, 2015. Collection method: clinical testing. Allele origin: germline.

Literature cited by the submitters: PubMed 21031596 (cited by Labcorp Genetics (formerly Invitae), Labcorp); PubMed 26387595 (cited by Labcorp Genetics (formerly Invitae), Labcorp); PubMed 31831025 (cited by Labcorp Genetics (formerly Invitae), Labcorp).